The following is an entry in ClinVar:

NM_000553.6(WRN):c.2960G>A (p.Arg987Gln)

Gene: WRN (WRN RecQ like helicase; plus strand). Cytogenetic location: 8p12.
Variant type: single nucleotide variant.
Coding change: c.2960G>A on transcript NM_000553.6 (MANE Select); coding-DNA position 2960, G replaced by A.
Protein change: p.Arg987Gln; replaces arginine 987 with glutamine.
Molecular consequence: missense variant.
Genome position (GRCh38, 1-based): chr8:31,132,499, G>A. VCF-style: chr8-31132499-G-A. GRCh37 (hg19) VCF-style: chr8-30990015-G-A.
Other names: short protein forms R987Q.
Identifiers: ClinVar variation 458435 (VCV000458435.10), dbSNP rs569405870, ClinGen allele CA4704890.

ClinVar aggregate classification (germline): Uncertain significance. Review status: criteria provided, multiple submitters, no conflicts (2 of 4 stars). 2 submissions from 2 submitters: Uncertain significance (2). Last evaluated 2026-01-16.

Conditions:
Werner syndrome (WRN). Identifiers: Orphanet 902, MedGen C0043119, MONDO:0010196, OMIM 277700.

Allele frequency attached by ClinVar (database versions not stated): gnomAD 0.00001; TOPMed 0.00002; ExAC 0.00003; 1000 Genomes Project 30x 0.00031; 1000 Genomes Project 0.00040.
gnomAD v4.1: 13 of 1,614,076 alleles (0.00081%); highest among the groups gnomAD compares: East Asian, 0.011%; no homozygotes.

Submissions (2):

Labcorp Genetics (formerly Invitae), Labcorp
Classification: Uncertain significance for Werner syndrome. Last evaluated: 2026-01-16. Review status: criteria provided, single submitter. Criteria: Invitae Variant Classification Sherloc (09022015). Collection method: clinical testing. Allele origin: germline.
Comment: This sequence change replaces arginine, which is basic and polar, with glutamine, which is neutral and polar, at codon 987 of the WRN protein (p.Arg987Gln). This variant is present in population databases (rs569405870, gnomAD 0.03%). This variant has not been reported in the literature in individuals affected with WRN-related conditions. ClinVar contains an entry for this variant (Variation ID: 458435). An algorithm developed to predict the effect of missense changes on protein structure and function outputs the following: PolyPhen-2: "Benign". The glutamine amino acid residue is found in multiple mammalian species, which suggests that this missense change does not adversely affect protein function. In summary, the available evidence is currently insufficient to determine the role of this variant in disease. Therefore, it has been classified as a Variant of Uncertain Significance.

Women's Health and Genetics/Laboratory Corporation of America, LabCorp
Classification: Uncertain significance. Last evaluated: 2024-12-26. Review status: criteria provided, single submitter. Criteria: LabCorp Variant Classification Summary - May 2015. Collection method: clinical testing. Allele origin: germline.
Comment: Variant summary: WRN c.2960G>A (p.Arg987Gln) results in a conservative amino acid change located in the RQC domain (IPR018982) of the encoded protein sequence. Four of five in-silico tools predict a benign effect of the variant on protein function. The variant allele was found at a frequency of 3.6e-05 in 251216 control chromosomes. The available data on variant occurrences in the general population are insufficient to allow any conclusion about variant significance. c.2960G>A has been reported in the literature in individuals affected with Werner Syndrome. These report(s) do not provide unequivocal conclusions about association of the variant with Werner Syndrome. To our knowledge, no experimental evidence demonstrating an impact on protein function has been reported. The following publication have been ascertained in the context of this evaluation (PMID: 37461096). ClinVar contains an entry for this variant (Variation ID: 458435). Based on the evidence outlined above, the variant was classified as uncertain significance.

Literature cited by the submitters: PubMed 37461096 (cited by Women's Health and Genetics/Laboratory Corporation of America, LabCorp).